The following is an entry in ClinVar:

NM_000127.3(EXT1):c.1534C>T (p.Gln512Ter)

Gene: EXT1 (exostosin glycosyltransferase 1; minus strand). Cytogenetic location: 8q24.11.
Variant type: single nucleotide variant.
Coding change: c.1534C>T on transcript NM_000127.3 (MANE Select); coding-DNA position 1534, C replaced by T.
Protein change: p.Gln512Ter; replaces glutamine 512 with a stop codon.
Molecular consequence: nonsense.
Genome position (GRCh38, 1-based): chr8:117,819,678, G>A on the plus strand (C>T on the coding strand, the complement: EXT1 is on the minus strand). VCF-style: chr8-117819678-G-A. GRCh37 (hg19) VCF-style: chr8-118831917-G-A.
Other names: short protein forms Q512*.
Identifiers: ClinVar variation 953457 (VCV000953457.9), dbSNP rs1383256196, ClinGen allele CA371884420.

ClinVar aggregate classification (germline): Pathogenic (1 of 4 stars; one submission).

Conditions:
Multiple congenital exostosis (EXT). Also called: MULTIPLE CARTILAGINOUS EXOSTOSES; Multiple exostoses; Hereditary multiple exostoses; Hereditary multiple exostosis; Multiple osteochondromas; Hereditary multiple osteochondromas. Identifiers: Orphanet 321, MedGen C0015306, MONDO:0005508, HP:0002762.

Submission:

Labcorp Genetics (formerly Invitae), Labcorp
Classification: Pathogenic for Multiple congenital exostosis. Last evaluated: 2022-09-26. Review status: criteria provided, single submitter. Criteria: Invitae Variant Classification Sherloc (09022015). Collection method: clinical testing. Allele origin: germline.
Comment: This sequence change creates a premature translational stop signal (p.Gln512*) in the EXT1 gene. It is expected to result in an absent or disrupted protein product. Loss-of-function variants in EXT1 are known to be pathogenic (PMID: 10679937, 11391482, 19810120). This variant is not present in population databases (gnomAD no frequency). This premature translational stop signal has been observed in individual(s) with multiple osteochondromas (PMID: 19810120, 23262345). ClinVar contains an entry for this variant (Variation ID: 953457). For these reasons, this variant has been classified as Pathogenic.

Literature cited by the submitters: PubMed 10679937; PubMed 11391482; PubMed 19810120; PubMed 23262345.